The following is an entry in ClinVar:

NM_018684.4(ZC4H2):c.151G>C (p.Glu51Gln)

Gene: ZC4H2 (zinc finger C4H2-type containing; minus strand). Cytogenetic location: Xq11.2.
Variant type: single nucleotide variant.
Coding change: c.151G>C on transcript NM_018684.4 (MANE Select); coding-DNA position 151, G replaced by C.
Protein change: p.Glu51Gln; replaces glutamic acid 51 with glutamine.
Molecular consequence: missense variant. On other transcripts: non-coding transcript variant (1).
Genome position (GRCh38, 1-based): chrX:64,921,891, C>G on the plus strand (G>C on the coding strand, the complement: ZC4H2 is on the minus strand). VCF-style: chrX-64921891-C-G. GRCh37 (hg19) VCF-style: chrX-64141771-C-G.
Other names: c.82G>C, p.Glu28Gln (NM_001178032.3, NM_001243804.2); c.151G>C, p.Glu51Gln (NM_001178033.3); short protein forms E28Q, E51Q.
Identifiers: ClinVar variation 2660754 (VCV002660754.24), dbSNP rs2519696376, ClinGen allele CA413412260.

ClinVar aggregate classification (germline): Uncertain significance (1 of 4 stars; one submission).

Submission:

CeGaT Center for Human Genetics Tuebingen
Classification: Uncertain significance. Last evaluated: 2023-08-01. Review status: criteria provided, single submitter. Criteria: CeGaT Center For Human Genetics Tuebingen Variant Classification Criteria Version 2. Collection method: clinical testing. Allele origin: germline. Affected: yes. Observed: 1 variant allele.
Comment: ZC4H2: PM2